The following is an entry in ClinVar:

ClinVar aggregate classification (germline): Uncertain significance. Review status: criteria provided, multiple submitters, no conflicts (2 of 4 stars). 2 submissions from 2 submitters: Uncertain significance (2). Last evaluated 2025-02-16.

Conditions:
Hereditary cancer-predisposing syndrome. Also called: Tumor predisposition; Hereditary neoplastic syndrome; Hereditary Cancer Syndrome; Neoplastic Syndromes, Hereditary. Identifiers: Orphanet 140162, MedGen C0027672, MeSH D009386, MONDO:0015356.

Submissions (2):

Labcorp Genetics (formerly Invitae), Labcorp
Classification: Uncertain significance. Last evaluated: 2025-02-16. Review status: criteria provided, single submitter. Criteria: Invitae Variant Classification Sherloc (09022015). Collection method: clinical testing. Allele origin: germline.
Comment: This sequence change replaces aspartic acid, which is acidic and polar, with glycine, which is neutral and non-polar, at codon 612 of the POLE protein (p.Asp612Gly). This variant is not present in population databases (gnomAD no frequency). This variant has not been reported in the literature in individuals affected with POLE-related conditions. ClinVar contains an entry for this variant (Variation ID: 936478). Invitae Evidence Modeling of protein sequence and biophysical properties (such as structural, functional, and spatial information, amino acid conservation, physicochemical variation, residue mobility, and thermodynamic stability) has been performed for this missense variant. However, the output from this modeling did not meet the statistical confidence thresholds required to predict the impact of this variant on POLE protein function. In summary, the available evidence is currently insufficient to determine the role of this variant in disease. Therefore, it has been classified as a Variant of Uncertain Significance.

Ambry Genetics
Classification: Uncertain significance for Hereditary cancer-predisposing syndrome. Last evaluated: 2025-01-30. Review status: criteria provided, single submitter. Criteria: Ambry Variant Classification Scheme 2023. Collection method: clinical testing. Allele origin: germline.
Comment: The p.D612G variant (also known as c.1835A>G), located in coding exon 17 of the POLE gene, results from an A to G substitution at nucleotide position 1835. The aspartic acid at codon 612 is replaced by glycine, an amino acid with similar properties. This amino acid position is well conserved in available vertebrate species. In addition, this alteration is predicted to be tolerated by in silico analysis. Based on the available evidence, the clinical significance of this variant remains unclear.

NM_006231.4(POLE):c.1835A>G (p.Asp612Gly)

Gene: POLE (DNA polymerase epsilon, catalytic subunit; minus strand). Cytogenetic location: 12q24.33.
Variant type: single nucleotide variant.
Coding change: c.1835A>G on transcript NM_006231.4 (MANE Select); coding-DNA position 1835, A replaced by G.
Protein change: p.Asp612Gly; replaces aspartic acid 612 with glycine.
Molecular consequence: missense variant.
Genome position (GRCh38, 1-based): chr12:132,668,899, T>C on the plus strand (A>G on the coding strand, the complement: POLE is on the minus strand). VCF-style: chr12-132668899-T-C. GRCh37 (hg19) VCF-style: chr12-133245485-T-C.
Other names: c.1835A>G (NM_006231.2); short protein forms D612G.
Identifiers: ClinVar variation 936478 (VCV000936478.10), dbSNP rs2042861809, ClinGen allele CA387355556.
Genomic context (GRCh38, chr12:132,668,899, plus strand): 5'-GGGTACATGGCCCCCACGTCCAGGTGGTAGATGAGTGGACACTCGATGCGGCTGGGAACG[T>C]CCTTCAGGGAGGCAAGCTTGCTCTTAATCTCATCACACACCTGCAGAGAAAGCGAAACTC-3'
Protein context (NP_006222.2, residues 602-622): EIKSKLASLK[Asp612Gly]VPSRIECPLI